The following is an entry in ClinVar:

ClinVar aggregate classification (germline): Uncertain significance (1 of 4 stars; one submission).

Conditions:
Lymphoproliferative syndrome 1 (LPFS1). Identifiers: Orphanet 238505, Orphanet 538963, MedGen C3552634, MONDO:0013081, OMIM 613011.

Allele frequency attached by ClinVar (database versions not stated): gnomAD 0.00001 and 0.00003; gnomAD exomes 0.00002 and 0.00007; ExAC 0.00003; 1000 Genomes Project 30x 0.00016; 1000 Genomes Project 0.00020.
gnomAD v4.1: 98 of 1,580,362 alleles (0.0062%); highest among the groups gnomAD compares: East Asian, 0.22%; no homozygotes.

Submission:

Labcorp Genetics (formerly Invitae), Labcorp
Classification: Uncertain significance for Lymphoproliferative syndrome 1. Last evaluated: 2025-11-04. Review status: criteria provided, single submitter. Criteria: Invitae Variant Classification Sherloc (09022015). Collection method: clinical testing. Allele origin: germline.
Comment: This sequence change falls in intron 2 of the ITK gene. It does not directly change the encoded amino acid sequence of the ITK protein. It affects a nucleotide within the consensus splice site. This variant is present in population databases (rs140464697, gnomAD 0.04%). This variant has not been reported in the literature in individuals affected with ITK-related conditions. ClinVar contains an entry for this variant (Variation ID: 861388). Variants that disrupt the consensus splice site are a relatively common cause of aberrant splicing (PMID: 17576681, 9536098). Algorithms developed to predict the effect of sequence changes on RNA splicing suggest that this variant may create or strengthen a splice site. In summary, the available evidence is currently insufficient to determine the role of this variant in disease. Therefore, it has been classified as a Variant of Uncertain Significance.

Literature cited by the submitters: PubMed 17576681; PubMed 9536098.

NM_005546.4(ITK):c.243+5G>A

Gene: ITK (IL2 inducible T cell kinase; plus strand). Cytogenetic location: 5q33.3.
Variant type: single nucleotide variant.
Coding change: c.243+5G>A on transcript NM_005546.4 (MANE Select); 5 bases into the intron after coding-DNA position 243, G replaced by A.
Molecular consequence: intron variant.
Genome position (GRCh38, 1-based): chr5:157,208,998, G>A. VCF-style: chr5-157208998-G-A. GRCh37 (hg19) VCF-style: chr5-156636009-G-A.
Identifiers: ClinVar variation 861388 (VCV000861388.8), dbSNP rs140464697, ClinGen allele CA3532664.